The following is an entry in ClinVar:

NM_000441.2(SLC26A4):c.397T>C (p.Ser133Pro)

Gene: SLC26A4 (solute carrier family 26 member 4; plus strand). Cytogenetic location: 7q22.3.
Variant type: single nucleotide variant.
Coding change: c.397T>C on transcript NM_000441.2 (MANE Select); coding-DNA position 397, T replaced by C.
Protein change: p.Ser133Pro; replaces serine 133 with proline.
Molecular consequence: missense variant.
Genome position (GRCh38, 1-based): chr7:107,672,230, T>C. VCF-style: chr7-107672230-T-C. GRCh37 (hg19) VCF-style: chr7-107312675-T-C.
Other names: c.397T>C (NM_000441.1); short protein forms S133P.
Identifiers: ClinVar variation 1502303 (VCV001502303.10), dbSNP rs121908365, ClinGen allele CA368847248.
Genomic context (GRCh38, chr7:107,672,230, plus strand): 5'-GTCGGATATGGTCTCTACTCTGCTTTTTTCCCTATCCTGACATACTTTATCTTTGGAACA[T>C]CAAGACATATCTCAGTTGGTAATTATAAGTATATTTTACAATTATATTTGCTCATGTTTA-3'
Protein context (NP_000432.1, residues 123-143): PILTYFIFGT[Ser133Pro]RHISVGPFPV

ClinVar aggregate classification (germline): Pathogenic/Likely pathogenic. Review status: criteria provided, multiple submitters, no conflicts (2 of 4 stars). 3 submissions from 3 submitters: Pathogenic (1); Likely pathogenic (2). Last evaluated 2025-07-11.

Conditions:
Pendred syndrome (PDS). Also called: HYPOTHYROIDISM, CONGENITAL, DUE TO DYSHORMONOGENESIS, 2B; THYROID DYSHORMONOGENESIS 2B; THYROID HORMONOGENESIS, GENETIC DEFECT IN, 2B; Pendred's syndrome; Pendred Syndrome (PDS); DEAFNESS WITH GOITER. Identifiers: Orphanet 705, MedGen C0271829, MONDO:0010134, OMIM 274600.
SLC26A4-related disorder. Also called: SLC26A4-related condition; SLC26A4-related disorders.

Allele frequency attached by ClinVar (database versions not stated): gnomAD 0.00001; TOPMed 0.00002.
gnomAD v4.1: 5 of 1,587,372 alleles (0.00031%); highest among the groups gnomAD compares: African/African-American, 0.0054%; no homozygotes.

Submissions (3):

Women's Health and Genetics/Laboratory Corporation of America, LabCorp
Classification: Likely pathogenic for Pendred syndrome. Last evaluated: 2025-07-11. Review status: criteria provided, single submitter. Criteria: LabCorp Variant Classification Summary - May 2015. Collection method: clinical testing. Allele origin: germline.
Comment: Variant summary: SLC26A4 c.397T>C (p.Ser133Pro) results in a non-conservative amino acid change located in the SLC26A/SulP transporter domain (IPR011547) of the encoded protein sequence. Algorithms developed to predict the effect of missense changes on protein structure and function all suggest that this variant is likely to be disruptive. The variant was absent in 251354 control chromosomes. Two different variants affecting the same codon have been classified as likely pathogenic/pathogenic by our lab (p.Ser133Thr, p.Ser133Leu), supporting the critical relevance of codon 133 to SLC26A4 protein function. To our knowledge, no experimental evidence demonstrating an impact on protein function has been reported. ClinVar contains an entry for this variant (Variation ID: 1502303). Based on the evidence outlined above, the variant was classified as likely pathogenic.

Labcorp Genetics (formerly Invitae), Labcorp
Classification: Pathogenic. Last evaluated: 2023-08-04. Review status: criteria provided, single submitter. Criteria: Invitae Variant Classification Sherloc (09022015). Collection method: clinical testing. Allele origin: germline.
Comment: This missense change has been observed in individual(s) with clinical features of Pendred syndrome (Invitae). This sequence change replaces serine, which is neutral and polar, with proline, which is neutral and non-polar, at codon 133 of the SLC26A4 protein (p.Ser133Pro). This variant is not present in population databases (gnomAD no frequency). ClinVar contains an entry for this variant (Variation ID: 1502303). Advanced modeling of protein sequence and biophysical properties (such as structural, functional, and spatial information, amino acid conservation, physicochemical variation, residue mobility, and thermodynamic stability) performed at Invitae indicates that this missense variant is expected to disrupt SLC26A4 protein function. This variant disrupts the p.Ser133 amino acid residue in SLC26A4. Other variant(s) that disrupt this residue have been determined to be pathogenic (PMID: 11919333, 12788906). This suggests that this residue is clinically significant, and that variants that disrupt this residue are likely to be disease-causing. For these reasons, this variant has been classified as Pathogenic.

Blueprint Genetics
Classification: Likely pathogenic for SLC26A4-related disorders. Last evaluated: 2021-12-29. Review status: criteria provided, single submitter. Criteria: ACMG Guidelines, 2015. Collection method: clinical testing. Allele origin: germline. Affected: yes. Observed: 2 variant alleles.

Literature cited by the submitters: PubMed 11919333 (cited by Labcorp Genetics (formerly Invitae), Labcorp); PubMed 12788906 (cited by Labcorp Genetics (formerly Invitae), Labcorp).